The following is an entry in ClinVar:

NM_145167.3(PIGM):c.538A>T (p.Lys180Ter)

Gene: PIGM (phosphatidylinositol glycan anchor biosynthesis class M; minus strand). Cytogenetic location: 1q23.2.
Variant type: single nucleotide variant.
Coding change: c.538A>T on transcript NM_145167.3 (MANE Select); coding-DNA position 538, A replaced by T.
Protein change: p.Lys180Ter; replaces lysine 180 with a stop codon.
Molecular consequence: nonsense.
Genome position (GRCh38, 1-based): chr1:160,031,202, T>A on the plus strand (A>T on the coding strand, the complement: PIGM is on the minus strand). VCF-style: chr1-160031202-T-A. GRCh37 (hg19) VCF-style: chr1-160000992-T-A.
Other names: short protein forms K180*.
Identifiers: ClinVar variation 2582401 (VCV002582401.3), dbSNP rs779628172, ClinGen allele CA343241964.

ClinVar aggregate classification (germline): Conflicting classifications of pathogenicity. Review status: criteria provided, conflicting classifications (1 of 4 stars). 2 submissions from 2 submitters: Likely pathogenic (1); Uncertain significance (1). Last evaluated 2024-08-31.

Conditions:
Hypercoagulability syndrome due to glycosylphosphatidylinositol deficiency (GPIBD1). Also called: GLYCOSYLPHOSPHATIDYLINOSITOL BIOSYNTHESIS DEFECT 1. Identifiers: Orphanet 83639, MedGen C5201145, MONDO:0012465, OMIM 610293.

Submissions (2):

Labcorp Genetics (formerly Invitae), Labcorp
Classification: Uncertain significance for Hypercoagulability syndrome due to glycosylphosphatidylinositol deficiency. Last evaluated: 2024-08-31. Review status: criteria provided, single submitter. Criteria: Invitae Variant Classification Sherloc (09022015). Collection method: clinical testing. Allele origin: germline.
Comment: This sequence change creates a premature translational stop signal (p.Lys180*) in the PIGM gene. While this is not anticipated to result in nonsense mediated decay, it is expected to disrupt the last 244 amino acid(s) of the PIGM protein. This variant is not present in population databases (gnomAD no frequency). This variant has not been reported in the literature in individuals affected with PIGM-related conditions. ClinVar contains an entry for this variant (Variation ID: 2582401). In summary, the available evidence is currently insufficient to determine the role of this variant in disease. Therefore, it has been classified as a Variant of Uncertain Significance.

Baylor Genetics
Classification: Likely pathogenic for Hypercoagulability syndrome due to glycosylphosphatidylinositol deficiency. Last evaluated: 2023-08-27. Review status: criteria provided, single submitter. Criteria: ACMG Guidelines, 2015. Collection method: clinical testing. Allele origin: unknown.